The following is an entry in ClinVar:

NM_173354.5(SIK1):c.2255T>C (p.Leu752Pro)

Gene: SIK1 (salt inducible kinase 1; minus strand). Cytogenetic location: 21q22.3.
Variant type: single nucleotide variant.
Coding change: c.2255T>C on transcript NM_173354.5 (MANE Select); coding-DNA position 2255, T replaced by C.
Protein change: p.Leu752Pro; replaces leucine 752 with proline.
Molecular consequence: missense variant.
Genome position (GRCh38, 1-based): chr21:43,416,839, A>G on the plus strand (T>C on the coding strand, the complement: SIK1 is on the minus strand). VCF-style: chr21-43416839-A-G. GRCh37 (hg19) VCF-style: chr21-44836719-A-G.
Other names: short protein forms L752P.
Identifiers: ClinVar variation 2904588 (VCV002904588.3), dbSNP rs2516963665, ClinGen allele CA410606359.

ClinVar aggregate classification (germline): Uncertain significance (1 of 4 stars; one submission).

Conditions:
Developmental and epileptic encephalopathy, 30 (DEE30). Also called: Epileptic encephalopathy, early infantile, 30. Identifiers: MedGen C4225360, MONDO:0014595, OMIM 616341.

Submission:

Labcorp Genetics (formerly Invitae), Labcorp
Classification: Uncertain significance for Developmental and epileptic encephalopathy, 30. Last evaluated: 2023-06-27. Review status: criteria provided, single submitter. Criteria: Invitae Variant Classification Sherloc (09022015). Collection method: clinical testing. Allele origin: germline.
Comment: This variant has not been reported in the literature in individuals affected with SIK1-related conditions. In summary, the available evidence is currently insufficient to determine the role of this variant in disease. Therefore, it has been classified as a Variant of Uncertain Significance. Advanced modeling of protein sequence and biophysical properties (such as structural, functional, and spatial information, amino acid conservation, physicochemical variation, residue mobility, and thermodynamic stability) performed at Invitae indicates that this missense variant is not expected to disrupt SIK1 protein function. This variant is not present in population databases (gnomAD no frequency). This sequence change replaces leucine, which is neutral and non-polar, with proline, which is neutral and non-polar, at codon 752 of the SIK1 protein (p.Leu752Pro).